The following is an entry in ClinVar:

ClinVar aggregate classification (germline): Uncertain significance. Review status: criteria provided, multiple submitters, no conflicts (2 of 4 stars). 2 submissions from 2 submitters: Uncertain significance (2). Last evaluated 2025-10-17.

Conditions:
PKD1-related disorder. Also called: PKD1-related condition.

gnomAD v4.1: 4 of 1,612,622 alleles (0.00025%); highest among the groups gnomAD compares: Non-Finnish European, 0.00034%; no homozygotes.

Submissions (2):

PreventionGenetics, part of Exact Sciences
Classification: Uncertain significance for PKD1-related condition. Last evaluated: 2025-10-17. Review status: criteria provided, single submitter. Criteria: ACMG Guidelines, 2015. Collection method: clinical testing. Allele origin: germline.
Comment: The PKD1 c.4810G>C variant is predicted to result in the amino acid substitution p.Val1604Leu. To our knowledge, this variant has not been reported in the literature. This variant is reported in 0.0018% of alleles in individuals of European (Non-Finnish) descent in gnomAD. At this time, the clinical significance of this variant is uncertain due to the absence of conclusive functional and genetic evidence.

GeneDx
Classification: Uncertain significance. Last evaluated: 2024-06-03. Review status: criteria provided, single submitter. Criteria: GeneDx Variant Classification Process June 2021. Collection method: clinical testing. Allele origin: germline. Affected: yes.
Comment: Not observed at significant frequency in large population cohorts (gnomAD); In silico analysis indicates that this missense variant does not alter protein structure/function; Has not been previously published as pathogenic or benign to our knowledge

NM_001009944.3(PKD1):c.4810G>C (p.Val1604Leu)

Gene: PKD1 (polycystin 1, transient receptor potential channel interacting; minus strand). Cytogenetic location: 16p13.3.
Variant type: single nucleotide variant.
Coding change: c.4810G>C on transcript NM_001009944.3 (MANE Select); coding-DNA position 4810, G replaced by C.
Protein change: p.Val1604Leu; replaces valine 1604 with leucine.
Molecular consequence: missense variant.
Genome position (GRCh38, 1-based): chr16:2,110,357, C>G on the plus strand (G>C on the coding strand, the complement: PKD1 is on the minus strand). VCF-style: chr16-2110357-C-G. GRCh37 (hg19) VCF-style: chr16-2160358-C-G.
Other names: c.4810G>C, p.Val1604Leu (NM_000296.4); short protein forms V1604L.
Identifiers: ClinVar variation 3384357 (VCV003384357.2).
Genomic context (GRCh38, chr16:2,110,357, plus strand): 5'-TGCTGTCCTGGGCGGAGCCCACCTCGTTCTCAGCCGTGACGATGATATTGAAGGTGCCCA[C>G]GGAGCGGAAGGTGTAAGAGATGGTAGGACCCCCAGGGATGGGCGTGCAGCGGTCACAGAG-3'
Protein context (NP_001009944.3, residues 1594-1614): GPTISYTFRS[Val1604Leu]GTFNIIVTAE